The following is an entry in ClinVar:

NM_003108.4(SOX11):c.158T>G (p.Met53Arg)

Gene: SOX11 (SRY-box transcription factor 11; plus strand). Cytogenetic location: 2p25.2.
Variant type: single nucleotide variant.
Coding change: c.158T>G on transcript NM_003108.4 (MANE Select); coding-DNA position 158, T replaced by G.
Protein change: p.Met53Arg; replaces methionine 53 with arginine.
Molecular consequence: missense variant.
Genome position (GRCh38, 1-based): chr2:5,692,879, T>G. VCF-style: chr2-5692879-T-G. GRCh37 (hg19) VCF-style: chr2-5833011-T-G.
Other names: short protein forms M53R.
Identifiers: ClinVar variation 2443011 (VCV002443011.1), dbSNP rs2465087399, ClinGen allele CA345866066.

ClinVar aggregate classification (germline): Likely pathogenic (1 of 4 stars; one submission).

Conditions:
Intellectual developmental disorder with microcephaly and with or without ocular malformations or hypogonadotropic hypogonadism. Also called: Intellectual disability, autosomal dominant 27; Coffin-Siris Syndrome 9. Identifiers: Orphanet 1465, MedGen C4014528, MONDO:0014376, OMIM 615866.

Submission:

SIB Swiss Institute of Bioinformatics
Classification: Likely pathogenic for Intellectual developmental disorder with microcephaly and with or without ocular malformations or hypogonadotropic hypogonadism. Last evaluated: 2023-03-09. Review status: criteria provided, single submitter. Criteria: ACMG Guidelines, 2015. Collection method: curation. Allele origin: unknown.
Comment: This variant is interpreted as likely pathogenic for Intellectual developmental disorder with microcephaly and with or without ocular malformations or hypogonadotropic hypogonadism, autosomal dominant. The following ACMG Tag(s) were applied: Absent from controls (or at extremely low frequency if recessive) in Exome Sequencing Project, 1000 Genomes Project, or Exome Aggregation Consortium (PM2); De novo paternity and maternity not confirmed (PM6); Located in a mutational hot spot and/or critical and well-established functional domain (e.g., active site of an enzyme) without benign variation (PM1); Novel missense change at an amino acid residue where a different missense change determined to be pathogenic has been seen before (PM5); Multiple lines of computational evidence support a deleterious effect on the gene or gene product (PP3).

Literature cited by the submitters: PubMed 35341651.